The following is an entry in ClinVar:

NM_017837.4(PIGV):c.348_349delinsAG (p.Ile117Val)

Gene: PIGV (phosphatidylinositol glycan anchor biosynthesis class V; plus strand). Cytogenetic location: 1p36.11.
Variant type: Indel.
Coding change: c.348_349delinsAG on transcript NM_017837.4 (MANE Select); coding-DNA positions 348 to 349, GA replaced by AG.
Protein change: p.Ile117Val; replaces isoleucine 117 with valine.
Molecular consequence: missense variant. On other transcripts: 5 prime UTR variant (1), non-coding transcript variant (1), intron variant (3).
Genome position (GRCh38, 1-based): chr1:26,794,382-26,794,383, GA replaced by AG. VCF-style: chr1-26794382-GA-AG. GRCh37 (hg19) VCF-style: chr1-27120873-GA-AG.
Other names: c.348_349delinsAG, p.Ile117Val (NM_001202554.2, NM_001374478.1, NM_001374480.1 and 2 more transcripts); c.-34_-33delinsAG (NM_001374483.1); c.348_349delGAinsAG (NM_017837.3); c.172+176_172+177delinsAG (NM_001374484.1, NM_001374485.1); c.79-3181_79-3180delinsAG (NM_001374486.1); short protein forms I117V.
Identifiers: ClinVar variation 289202 (VCV000289202.19), dbSNP rs886044116, ClinGen allele CA10606367.

ClinVar aggregate classification (germline): Conflicting classifications of pathogenicity. Review status: criteria provided, conflicting classifications (1 of 4 stars). 5 submissions from 5 submitters: Uncertain significance (3); Likely benign (2). Last evaluated 2026-02-03.

Conditions:
Hyperphosphatasia with impaired intellectual development syndrome 1. Also called: MABRY SYNDROME; GLYCOSYLPHOSPHATIDYLINOSITOL BIOSYNTHESIS DEFECT 2; Hyperphosphatasia with intellectual disability syndrome 1. Identifiers: Orphanet 247262, MedGen C4551502, MONDO:0009398, OMIM 239300.

Submissions (5):

Labcorp Genetics (formerly Invitae), Labcorp
Classification: Likely benign. Last evaluated: 2026-02-03. Review status: criteria provided, single submitter. Criteria: Invitae Variant Classification Sherloc (09022015). Collection method: clinical testing. Allele origin: germline.

GeneDx
Classification: Likely benign. Last evaluated: 2021-12-06. Review status: criteria provided, single submitter. Criteria: GeneDx Variant Classification Process June 2021. Collection method: clinical testing. Allele origin: germline. Affected: yes.

Fulgent Genetics
Classification: Uncertain significance for Hyperphosphatasia with impaired intellectual development syndrome 1. Last evaluated: 2018-10-31. Review status: criteria provided, single submitter. Criteria: ACMG Guidelines, 2015. Collection method: clinical testing. Allele origin: unknown.

Baylor Genetics
Classification: Uncertain significance for Hyperphosphatasia with impaired intellectual development syndrome 1. Last evaluated: 2018-04-23. Review status: criteria provided, single submitter. Criteria: ACMG Guidelines, 2015. Collection method: clinical testing. Allele origin: unknown. Affected: yes.
Comment: This variant was determined to be of uncertain significance according to ACMG Guidelines, 2015 [PMID:25741868].

Eurofins Ntd Llc (ga)
Classification: Uncertain significance. Last evaluated: 2016-07-01. Review status: criteria provided, single submitter. Criteria: EGL Classification Definitions 2015. Collection method: clinical testing. Allele origin: germline. Observed: 1 variant allele, 1 heterozygote.